The following is an entry in ClinVar:

NM_001042492.3(NF1):c.731-8del

Gene: NF1 (neurofibromin 1; plus strand). Cytogenetic location: 17q11.2.
Variant type: Deletion.
Coding change: c.731-8del on transcript NM_001042492.3 (MANE Select); 8 bases into the intron before coding-DNA position 731, one base deleted (T; older notation c.731-8delT).
Molecular consequence: intron variant.
Genome position (GRCh38, 1-based): chr17:31,182,500, T deleted; the last of 5 consecutive T bases (chr17:31,182,496-31,182,500); deleting any one gives the same sequence. VCF-style (leftmost placement, unchanged base first): chr17-31182495-AT-A. GRCh37 (hg19) VCF-style: chr17-29509513-AT-A.
Other names: c.731-8delT (NM_000267.3); c.731-8del (NM_000267.4, NM_001128147.3).
Identifiers: ClinVar variation 633335 (VCV000633335.12), dbSNP rs1438618408, ClinGen allele CA625465936.

ClinVar aggregate classification (germline): Benign/Likely benign. Review status: criteria provided, multiple submitters, no conflicts (2 of 4 stars). 3 submissions from 3 submitters: Benign (1); Likely benign (2). Last evaluated 2026-05-11.

Conditions:
Neurofibromatosis, type 1 (NF1). Also called: Neurofibromatosis, type I; VON RECKLINGHAUSEN DISEASE; NEUROFIBROMATOSIS, TYPE I, SOMATIC; Peripheral type neurofibromatosis. Identifiers: Orphanet 636, MedGen C0027831, MONDO:0018975, OMIM 162200. Disease mechanism: loss of function.

Submissions (3):

Myriad Genetics, Inc.
Classification: Likely benign for Neurofibromatosis, type 1. Last evaluated: 2026-05-11. Review status: criteria provided, single submitter. Criteria: Myriad Autosomal Dominant, Autosomal Recessive and X-Linked Classification Criteria (2023). Collection method: clinical testing. Allele origin: unknown.
Comment: This variant is considered likely benign. This variant is intronic and is not expected to impact mRNA splicing.

Labcorp Genetics (formerly Invitae), Labcorp
Classification: Benign for Neurofibromatosis, type 1. Last evaluated: 2025-12-08. Review status: criteria provided, single submitter. Criteria: Invitae Variant Classification Sherloc (09022015). Collection method: clinical testing. Allele origin: germline.

Women's Health and Genetics/Laboratory Corporation of America, LabCorp
Classification: Likely benign. Last evaluated: 2025-04-28. Review status: criteria provided, single submitter. Criteria: LabCorp Variant Classification Summary - May 2015. Collection method: clinical testing. Allele origin: germline.
Comment: Variant summary: NF1 c.731-8delT alters a nucleotide located at a position not widely known to affect splicing. Consensus agreement among computation tools predict no significant impact on normal splicing. However, these predictions have yet to be confirmed by functional studies. The variant allele was found at a frequency of 2.5e-06 in 1613366 control chromosomes. The available data on variant occurrences in the general population are insufficient to allow any conclusion about variant significance. To our knowledge, no occurrence of c.731-8delT in individuals affected with Neurofibromatosis Type 1 and no experimental evidence demonstrating its impact on protein function have been reported. ClinVar contains an entry for this variant (Variation ID: 633335). Based on the evidence outlined above, the variant was classified as likely benign.

Literature cited by the submitters: PubMed 10678181 (cited by Women's Health and Genetics/Laboratory Corporation of America, LabCorp); PubMed 23460398 (cited by Women's Health and Genetics/Laboratory Corporation of America, LabCorp); PubMed 29872168 (cited by Women's Health and Genetics/Laboratory Corporation of America, LabCorp); PubMed 27069254 (cited by Women's Health and Genetics/Laboratory Corporation of America, LabCorp).